The following is an entry in ClinVar:

ClinVar aggregate classification (germline): Pathogenic (1 of 4 stars; one submission).

Submission:

GeneDx
Classification: Pathogenic. Last evaluated: 2024-03-20. Review status: criteria provided, single submitter. Criteria: GeneDx Variant Classification Process June 2021. Collection method: clinical testing. Allele origin: germline. Affected: yes.
Comment: Not observed in large population cohorts (gnomAD); Has not been previously published as pathogenic or benign to our knowledge; In-silico analysis, which includes splice predictors and evolutionary conservation, is inconclusive as to whether the variant alters gene splicing. In the absence of RNA/functional studies, the actual effect of this sequence change is unknown.

NM_031263.4(HNRNPK):c.214-13A>G

Genes: HNRNPK (heterogeneous nuclear ribonucleoprotein K; minus strand), HNRNPK-AS1 (HNRNPK antisense RNA 1; plus strand). Cytogenetic location: 9q21.32.
Variant type: single nucleotide variant.
Coding change: c.214-13A>G on transcript NM_031263.4 (MANE Select); 13 bases into the intron before coding-DNA position 214, A replaced by G.
Molecular consequence: intron variant. On other transcripts: non-coding transcript variant (1).
Genome position (GRCh38, 1-based): chr9:83,975,518, T>C on the plus strand (A>G on the coding strand, the complement: HNRNPK is on the minus strand). VCF-style: chr9-83975518-T-C. GRCh37 (hg19) VCF-style: chr9-86590433-T-C.
Other names: c.214-13A>G (NM_031262.4, NM_002140.5, NM_001318186.2 and 2 more transcripts).
Identifiers: ClinVar variation 3340918 (VCV003340918.1).
Genomic context (GRCh38, chr9:83,975,518, plus strand): 5'-ATACCGCTCGGGGCCACTGCTGTCTGGGACTGAAACACTGGCATTGTACTGCATTGGTCA[T>C]TGGCGTTCGTGGATGTTGGCATTGGGCATGGGCATTCAATCAGAAGTTGTCAAGTATGGT-3'